The following is an entry in ClinVar:

NC_000006.11:g.(?_51497353)_(51524777_?)del

Gene: PKHD1 (PKHD1 ciliary IPT domain containing fibrocystin/polyductin; minus strand). Cytogenetic location: 6p12.3.
Variant type: Deletion.
Identifiers: ClinVar variation 1346381 (VCV001346381.7).

ClinVar aggregate classification (germline): Likely pathogenic (1 of 4 stars; one submission).

Conditions:
Autosomal recessive polycystic kidney disease (ARPKD). Also called: AR polycystic kidney disease. Identifiers: Orphanet 731, Orphanet 8378, MedGen C0085548, MeSH D017044, MONDO:0009889.

Submission:

Labcorp Genetics (formerly Invitae), Labcorp
Classification: Likely pathogenic for Autosomal recessive polycystic kidney disease. Last evaluated: 2020-11-21. Review status: criteria provided, single submitter. Criteria: Invitae Variant Classification Sherloc (09022015). Collection method: clinical testing. Allele origin: germline.
Comment: In summary, the currently available evidence indicates that the variant is pathogenic, but additional data are needed to prove that conclusively. Therefore, this variant has been classified as Likely Pathogenic. This variant disrupts the p.Val3818 amino acid residue in PKHD1. Other variant(s) that disrupt this residue have been determined to be pathogenic (Invitae). This suggests that this residue is clinically significant, and that variants that disrupt this residue are likely to be disease-causing. This variant has not been reported in the literature in individuals with PKHD1-related conditions. This variant is a gross deletion of the genomic region encompassing exon(s) 61-65 of the PKHD1 gene. This variant would be expected to be in-frame, preserving the integrity of the reading frame.